The following is an entry in ClinVar:

NM_000441.2(SLC26A4):c.1957G>C (p.Val653Leu)

Gene: SLC26A4 (solute carrier family 26 member 4; plus strand). Cytogenetic location: 7q22.3.
Variant type: single nucleotide variant.
Coding change: c.1957G>C on transcript NM_000441.2 (MANE Select); coding-DNA position 1957, G replaced by C.
Protein change: p.Val653Leu; replaces valine 653 with leucine.
Molecular consequence: missense variant.
Genome position (GRCh38, 1-based): chr7:107,701,980, G>C. VCF-style: chr7-107701980-G-C. GRCh37 (hg19) VCF-style: chr7-107342425-G-C.
Other names: short protein forms V653L.
Identifiers: ClinVar variation 452552 (VCV000452552.3), dbSNP rs1554361014, ClinGen allele CA368843687.

ClinVar aggregate classification (germline): Uncertain significance. Review status: criteria provided, single submitter (1 of 4 stars). 2 submissions from 2 submitters: Uncertain significance (1). 1 of the submissions does not count toward it. Last evaluated 2017-10-12.

Conditions:
Pendred syndrome (PDS). Also called: DEAFNESS WITH GOITER; GOITER-DEAFNESS SYNDROME; Pendred Syndrome (PDS); HYPOTHYROIDISM, CONGENITAL, DUE TO DYSHORMONOGENESIS, 2B; Pendred's syndrome; THYROID DYSHORMONOGENESIS 2B. Identifiers: Orphanet 705, MedGen C0271829, MONDO:0010134, OMIM 274600.

Allele frequency attached by ClinVar (database versions not stated): gnomAD exomes 0.00001.
gnomAD v4.1: 8 of 1,614,086 alleles (0.0005%); highest among the groups gnomAD compares: Admixed American, 0.0017%; no homozygotes.

Submissions (2):

GeneDx
Classification: Uncertain significance. Last evaluated: 2017-10-12. Review status: criteria provided, single submitter. Criteria: GeneDx Variant Classification (06012015). Collection method: clinical testing. Allele origin: germline. Affected: yes.
Comment: The V653L variant in the SLC26A4 gene has been reported previously as a benign variant; however, no additional evidence was provided (Gardner et al., 2006). This variant is not observed in large population cohorts (Lek et al., 2016). The V653L variant is a conservative amino acid substitution, which is not likely to impact secondary protein structure as these residues share similar properties. This substitution occurs at a position that is conserved across species. In silico analysis is inconsistent in its predictions as to whether or not the variant is damaging to the protein structure/function. We interpret V653L as a variant of uncertain significance.

Natera, Inc.
Classification: Uncertain significance for Pendred syndrome. Last evaluated: 2020-03-23. Review status: no assertion criteria provided. Collection method: clinical testing. Allele origin: germline. Not counted in ClinVar's aggregate classification.